The following is an entry in ClinVar:

NM_001244008.2(KIF1A):c.5214+3G>A

Gene: KIF1A (kinesin family member 1A; minus strand). Cytogenetic location: 2q37.3.
Variant type: single nucleotide variant.
Coding change: c.5214+3G>A on transcript NM_001244008.2 (MANE Select); 3 bases into the intron after coding-DNA position 5214, G replaced by A.
Molecular consequence: intron variant.
Genome position (GRCh38, 1-based): chr2:240,719,003, C>T on the plus strand (G>A on the coding strand, the complement: KIF1A is on the minus strand). VCF-style: chr2-240719003-C-T. GRCh37 (hg19) VCF-style: chr2-241658420-C-T.
Other names: c.4911+3G>A (NM_001379653.1, NM_001379650.1, NM_004321.8 and 1 more transcripts); c.5187+3G>A (NM_001379645.1, NM_001379633.1); c.5037+3G>A (NM_001379635.1, NM_001379646.1); c.4908+3G>A (NM_001379640.1); c.4875+39G>A (NM_001379641.1); c.4935+3G>A (NM_001379639.1); c.4938+3G>A (NM_001379649.1, NM_001320705.2); c.5025+3G>A (NM_001379636.1); and 8 more.
Identifiers: ClinVar variation 1341860 (VCV001341860.8), dbSNP rs1394328434, ClinGen allele CA540752753.

ClinVar aggregate classification (germline): Uncertain significance. Review status: criteria provided, multiple submitters, no conflicts (2 of 4 stars). 3 submissions from 3 submitters: Uncertain significance (3). Last evaluated 2025-11-24.

Conditions:
Inborn genetic diseases. Identifiers: MedGen C0950123, MeSH D030342.
Neuropathy, hereditary sensory, type 2C. Also called: KIF1A-Related HSAN2 (HSAN2C); Hereditary sensory and autonomic neuropathy type IIC. Identifiers: Orphanet 970, MedGen C3280168, MONDO:0013634, OMIM 614213.
Intellectual disability, autosomal dominant 9 (NESCAVS). Also called: KIF1A-Related Neurodevelopmental Disorder; NESCAV SYNDROME. Identifiers: Orphanet 662367, MedGen C5393830, MONDO:0013656, OMIM 614255.
Hereditary spastic paraplegia 30. Identifiers: Orphanet 101010, MedGen C5235139, MONDO:0012476.

Allele frequency attached by ClinVar (database versions not stated): gnomAD exomes below 0.00001; gnomAD 0.00001; TOPMed 0.00001.
gnomAD v4.1: 7 of 1,598,764 alleles (0.00044%); highest among the groups gnomAD compares: Admixed American, 0.0034%; no homozygotes.

Submissions (3):

Labcorp Genetics (formerly Invitae), Labcorp
Classification: Uncertain significance for Hereditary spastic paraplegia 30; Neuropathy, hereditary sensory, type 2C; Intellectual disability, autosomal dominant 9. Last evaluated: 2025-11-24. Review status: criteria provided, single submitter. Criteria: Invitae Variant Classification Sherloc (09022015). Collection method: clinical testing. Allele origin: germline.
Comment: This sequence change falls in intron 44 of the KIF1A gene. It does not directly change the encoded amino acid sequence of the KIF1A protein. It affects a nucleotide within the consensus splice site. This variant is present in population databases (no rsID available, gnomAD 0.003%). This variant has not been reported in the literature in individuals affected with KIF1A-related conditions. ClinVar contains an entry for this variant (Variation ID: 1341860). Variants that disrupt the consensus splice site are a relatively common cause of aberrant splicing (PMID: 17576681, 9536098). Algorithms developed to predict the effect of sequence changes on RNA splicing suggest that this variant is not likely to affect RNA splicing. In summary, the available evidence is currently insufficient to determine the role of this variant in disease. Therefore, it has been classified as a Variant of Uncertain Significance.

Ambry Genetics
Classification: Uncertain significance for Inborn genetic diseases. Last evaluated: 2021-04-05. Review status: criteria provided, single submitter. Criteria: Ambry Variant Classification Scheme 2023. Collection method: clinical testing. Allele origin: germline.
Comment: The c.5214+3G>A intronic variant results from a G to A substitution 3 nucleotides after coding exon 46 in the KIF1A gene. This nucleotide position is not well conserved in available vertebrate species. In silico splice site analysis predicts that this alteration will not have any significant effect on splicing. Since supporting evidence is limited at this time, the clinical significance of this alteration remains unclear.

New York Genome Center
Classification: Uncertain significance for Intellectual disability, autosomal dominant 9. Last evaluated: 2021-01-29. Review status: criteria provided, single submitter. Criteria: NYGC Assertion Criteria 2020. Collection method: clinical testing. Allele origin: germline. Observed: 1 heterozygote. Study: CSER-NYCKidSeq.

Literature cited by the submitters: PubMed 17576681 (cited by Labcorp Genetics (formerly Invitae), Labcorp); PubMed 9536098 (cited by Labcorp Genetics (formerly Invitae), Labcorp).